The following is an entry in ClinVar:

ClinVar aggregate classification (germline): Likely benign (0 of 4 stars; one submission).

Conditions:
COL15A1-related disorder. Also called: COL15A1-related condition.

Allele frequency attached by ClinVar (database versions not stated): ESP Exome Variant Server 0.00023; ExAC 0.00026; 1000 Genomes Project 0.00040; 1000 Genomes Project 30x 0.00047; gnomAD 0.00047; TOPMed 0.00056.
gnomAD v4.1: 845 of 1,602,256 alleles (0.053%); highest among the groups gnomAD compares: Admixed American, 0.12%; no homozygotes.

Submission:

PreventionGenetics, part of Exact Sciences
Classification: Likely benign for COL15A1-related condition. Last evaluated: 2020-01-28. Review status: no assertion criteria provided. Collection method: clinical testing. Allele origin: germline.
Comment: This variant is classified as likely benign based on ACMG/AMP sequence variant interpretation guidelines (Richards et al. 2015 PMID: 25741868, with internal and published modifications).

NM_001855.5(COL15A1):c.2415G>A (p.Leu805=)

Gene: COL15A1 (collagen type XV alpha 1 chain; plus strand). Cytogenetic location: 9q22.33.
Variant type: single nucleotide variant.
Coding change: c.2415G>A on transcript NM_001855.5 (MANE Select); coding-DNA position 2415, G replaced by A.
Protein change: p.Leu805=; no amino-acid change (leucine 805 retained).
Molecular consequence: synonymous variant.
Genome position (GRCh38, 1-based): chr9:99,038,673, G>A. VCF-style: chr9-99038673-G-A. GRCh37 (hg19) VCF-style: chr9-101800955-G-A.
Identifiers: ClinVar variation 3051449 (VCV003051449.2), dbSNP rs139652646, ClinGen allele CA5155369.